The following is an entry in ClinVar:

NM_017946.4(FKBP14):c.103C>A (p.Pro35Thr)

Genes: FKBP14 (FKBP prolyl isomerase 14; minus strand), FKBP14-AS1 (FKBP14 antisense RNA 1; plus strand). Cytogenetic location: 7p14.3.
Variant type: single nucleotide variant.
Coding change: c.103C>A on transcript NM_017946.4 (MANE Select); coding-DNA position 103, C replaced by A.
Protein change: p.Pro35Thr; replaces proline 35 with threonine.
Molecular consequence: missense variant. On other transcripts: non-coding transcript variant (2).
Genome position (GRCh38, 1-based): chr7:30,026,406, G>T on the plus strand (C>A on the coding strand, the complement: FKBP14 is on the minus strand). VCF-style: chr7-30026406-G-T. GRCh37 (hg19) VCF-style: chr7-30066022-G-T.
Other names: c.103C>A (NM_017946.2); short protein forms P35T.
Identifiers: ClinVar variation 1355308 (VCV001355308.8), dbSNP rs143937777, ClinGen allele CA156005355.

ClinVar aggregate classification (germline): Uncertain significance. Review status: criteria provided, multiple submitters, no conflicts (2 of 4 stars). 2 submissions from 2 submitters: Uncertain significance (2). Last evaluated 2025-05-24.

Conditions:
Cardiovascular phenotype. Identifiers: MedGen CN230736.
Ehlers-Danlos syndrome, kyphoscoliotic type, 2. Also called: FKBP14-Kyphoscoliotic Ehlers-Danlos Syndrome; Ehlers-Danlos syndrome with progressive kyphoscoliosis, myopathy, and hearing loss; Ehlers-Danlos syndrome, kyphoscoliotic and deafness type. Identifiers: Orphanet 300179, MedGen C3281160, MONDO:0013800, OMIM 614557.

Allele frequency attached by ClinVar (database versions not stated): gnomAD 0.00001; gnomAD exomes 0.00001; TOPMed 0.00001; ESP Exome Variant Server 0.00008.
gnomAD v4.1: 18 of 1,614,028 alleles (0.0011%); highest among the groups gnomAD compares: Middle Eastern, 0.016%; no homozygotes.

Submissions (2):

Ambry Genetics
Classification: Uncertain significance for Cardiovascular phenotype. Last evaluated: 2025-05-24. Review status: criteria provided, single submitter. Criteria: Ambry Variant Classification Scheme 2023. Collection method: clinical testing. Allele origin: germline.
Comment: The p.P35T variant (also known as c.103C>A), located in coding exon 1 of the FKBP14 gene, results from a C to A substitution at nucleotide position 103. The proline at codon 35 is replaced by threonine, an amino acid with highly similar properties. This amino acid position is conserved. In addition, the in silico prediction for this alteration is inconclusive. Based on the available evidence, the clinical significance of this variant remains unclear.

Labcorp Genetics (formerly Invitae), Labcorp
Classification: Uncertain significance for Ehlers-Danlos syndrome, kyphoscoliotic type, 2. Last evaluated: 2021-01-18. Review status: criteria provided, single submitter. Criteria: Invitae Variant Classification Sherloc (09022015). Collection method: clinical testing. Allele origin: germline.
Comment: This sequence change replaces proline with threonine at codon 35 of the FKBP14 protein (p.Pro35Thr). The proline residue is highly conserved and there is a small physicochemical difference between proline and threonine. This variant is not present in population databases (ExAC no frequency). This variant has not been reported in the literature in individuals with FKBP14-related conditions. Algorithms developed to predict the effect of missense changes on protein structure and function are either unavailable or do not agree on the potential impact of this missense change (SIFT: "Tolerated"; PolyPhen-2: "Probably Damaging"; Align-GVGD: "Class C0"). In summary, the available evidence is currently insufficient to determine the role of this variant in disease. Therefore, it has been classified as a Variant of Uncertain Significance.